The following is an entry in ClinVar:

NM_000243.3(MEFV):c.1513G>T (p.Asp505Tyr)

Gene: MEFV (MEFV innate immunity regulator, pyrin; minus strand). Cytogenetic location: 16p13.3.
Variant type: single nucleotide variant.
Coding change: c.1513G>T on transcript NM_000243.3 (MANE Select); coding-DNA position 1513, G replaced by T.
Protein change: p.Asp505Tyr; replaces aspartic acid 505 with tyrosine.
Molecular consequence: missense variant.
Genome position (GRCh38, 1-based): chr16:3,247,090, C>A on the plus strand (G>T on the coding strand, the complement: MEFV is on the minus strand). VCF-style: chr16-3247090-C-A. GRCh37 (hg19) VCF-style: chr16-3297090-C-A.
Other names: c.880G>T, p.Asp294Tyr (NM_001198536.2); short protein forms D505Y, D294Y.
Identifiers: ClinVar variation 319112 (VCV000319112.15), dbSNP rs150730718, ClinGen allele CA10637690.
Genomic context (GRCh38, chr16:3,247,090, plus strand): 5'-ATTCTGACTGGCACTCCTTGGCCTCCAGTTCCCCAATCAGCGCATCGAGCAGGGCGATGT[C>A]CTGGGATACGCGGGTGTCATATGCCTTCCTGATCTGCCCAACCATCTGGCCCACGTCCTC-3'
Protein context (NP_000234.1, residues 495-515): RKAYDTRVSQ[Asp505Tyr]IALLDALIGE

ClinVar aggregate classification (germline): Conflicting classifications of pathogenicity. Review status: criteria provided, conflicting classifications (1 of 4 stars). 8 submissions from 6 submitters: Uncertain significance (4); Likely benign (2). 2 of the submissions do not count toward it. Last evaluated 2023-02-08.

Conditions:
Familial Mediterranean fever (FMF). Also called: Periodic peritonitis; Benign paroxysmal peritonitis; POLYSEROSITIS, FAMILIAL PAROXYSMAL; POLYSEROSITIS, RECURRENT. Identifiers: Orphanet 342, MedGen C0031069, MONDO:0018088, OMIM 249100. Disease mechanism: gain of function.
Familial Mediterranean fever, autosomal dominant. Also called: Dominant Familial Mediterranean Fever; FMF, AUTOSOMAL DOMINANT. Identifiers: Orphanet 342, MedGen C1851347, MONDO:0007601, OMIM 134610.
Acute febrile neutrophilic dermatosis (AFND). Also called: Sweet Syndrome; Gomm Button disease. Identifiers: Orphanet 3243, MedGen C0085077, MONDO:0011959, OMIM 608068.

Allele frequency attached by ClinVar (database versions not stated): TOPMed 0.00002; gnomAD exomes 0.00006 and 0.00001; gnomAD 0.00001.

Submissions (8):

Genome-Nilou Lab
Classification: Uncertain significance for Familial Mediterranean fever. Last evaluated: 2023-02-08. Review status: criteria provided, single submitter. Criteria: ACMG Guidelines, 2015. Collection method: clinical testing. Allele origin: germline.

Genome-Nilou Lab
Classification: Likely benign for Familial Mediterranean fever, autosomal dominant. Last evaluated: 2023-02-08. Review status: criteria provided, single submitter. Criteria: ACMG Guidelines, 2015. Collection method: clinical testing. Allele origin: germline.

Genome-Nilou Lab
Classification: Likely benign for Acute febrile neutrophilic dermatosis. Last evaluated: 2023-02-08. Review status: criteria provided, single submitter. Criteria: ACMG Guidelines, 2015. Collection method: clinical testing. Allele origin: germline.

Labcorp Genetics (formerly Invitae), Labcorp
Classification: Uncertain significance for Familial Mediterranean fever. Last evaluated: 2022-06-09. Review status: criteria provided, single submitter. Criteria: Invitae Variant Classification Sherloc (09022015). Collection method: clinical testing. Allele origin: germline.
Comment: This sequence change replaces aspartic acid, which is acidic and polar, with tyrosine, which is neutral and polar, at codon 505 of the MEFV protein (p.Asp505Tyr). This variant is present in population databases (no rsID available, gnomAD 0.002%). This variant has not been reported in the literature in individuals affected with MEFV-related conditions. ClinVar contains an entry for this variant (Variation ID: 319112). Algorithms developed to predict the effect of missense changes on protein structure and function are either unavailable or do not agree on the potential impact of this missense change (SIFT: "Deleterious"; PolyPhen-2: "Benign"; Align-GVGD: "Class C0"). In summary, the available evidence is currently insufficient to determine the role of this variant in disease. Therefore, it has been classified as a Variant of Uncertain Significance.

Fulgent Genetics
Classification: Uncertain significance for Familial Mediterranean fever, autosomal dominant; Familial Mediterranean fever; Acute febrile neutrophilic dermatosis. Last evaluated: 2022-05-02. Review status: criteria provided, single submitter. Criteria: ACMG Guidelines, 2015. Collection method: clinical testing. Allele origin: unknown.

Illumina Laboratory Services, Illumina
Classification: Uncertain significance for Familial Mediterranean fever. Last evaluated: 2018-01-13. Review status: criteria provided, single submitter. Criteria: ICSL Variant Classification Criteria 13 December 2019. Collection method: clinical testing. Allele origin: germline.

Natera, Inc.
Classification: Uncertain significance for Familial Mediterranean fever. Last evaluated: 2019-10-28. Review status: no assertion criteria provided. Collection method: clinical testing. Allele origin: germline. Not counted in ClinVar's aggregate classification.

Department of Pathology and Laboratory Medicine, Sinai Health System
Classification: Uncertain significance. Review status: no assertion criteria provided. Collection method: clinical testing. Allele origin: unknown. Affected: yes. Study: The Canadian Open Genetics Repository (COGR). Not counted in ClinVar's aggregate classification.
Comment: The MEFV p.Asp294Tyr variant was not identified in the literature nor was it identified in LOVD 3.0. The variant was identified in dbSNP (ID: rs150730718) and ClinVar (classified as uncertain significance by Illumina for Familial Mediterranean Fever). The variant was identified in control databases in 3 of 251482 chromosomes at a frequency of 0.00001193 (Genome Aggregation Database March 6, 2019, v2.1.1). The variant was observed in the European (non-Finnish) population in 3 of 113758 chromosomes (freq: 0.000026), but was not observed in the African, Latino, Ashkenazi Jewish, East Asian, European (Finnish), Other, or South Asian populations. The p.Asp294 residue is not conserved in mammals and computational analyses (PolyPhen-2, SIFT, AlignGVGD, BLOSUM, MutationTaster) provide inconsistent predictions regarding the impact to the protein; this information is not very predictive of pathogenicity. The variant occurs outside of the splicing consensus sequence and 1 of 4 in silico or computational prediction software programs (SpliceSiteFinder, MaxEntScan, NNSPLICE, GeneSplicer) predict a greater than 10% difference in splicing; this is not very predictive of pathogenicity. In summary, based on the above information the clinical significance of this variant cannot be determined with certainty at this time. This variant is classified as a variant of uncertain significance.